The following is an entry in ClinVar:

NM_001127198.5(TMC6):c.1270G>A (p.Val424Met)

Gene: TMC6 (transmembrane channel like 6; minus strand). Cytogenetic location: 17q25.3.
Variant type: single nucleotide variant.
Coding change: c.1270G>A on transcript NM_001127198.5 (MANE Select); coding-DNA position 1270, G replaced by A.
Protein change: p.Val424Met; replaces valine 424 with methionine.
Molecular consequence: missense variant. On other transcripts: non-coding transcript variant (4).
Genome position (GRCh38, 1-based): chr17:78,121,669, C>T on the plus strand (G>A on the coding strand, the complement: TMC6 is on the minus strand). VCF-style: chr17-78121669-C-T. GRCh37 (hg19) VCF-style: chr17-76117750-C-T.
Other names: c.1270G>A, p.Val424Met (NM_001321185.1, NM_001374593.1, NM_001374594.1 and 4 more transcripts); short protein forms V424M.
Identifiers: ClinVar variation 2164793 (VCV002164793.3), dbSNP rs747391950, ClinGen allele CA8795797.

ClinVar aggregate classification (germline): Uncertain significance (1 of 4 stars; one submission).

Conditions:
Epidermodysplasia verruciformis. Identifiers: Orphanet 302, MedGen C0014522, MONDO:0009176.

Allele frequency attached by ClinVar (database versions not stated): gnomAD exomes 0.00002; ExAC 0.00005.
gnomAD v4.1: 38 of 1,599,474 alleles (0.0024%); highest among the groups gnomAD compares: East Asian, 0.0045%; no homozygotes.

Submission:

Labcorp Genetics (formerly Invitae), Labcorp
Classification: Uncertain significance for Epidermodysplasia verruciformis. Last evaluated: 2025-01-29. Review status: criteria provided, single submitter. Criteria: Invitae Variant Classification Sherloc (09022015). Collection method: clinical testing. Allele origin: germline.
Comment: This sequence change replaces valine, which is neutral and non-polar, with methionine, which is neutral and non-polar, at codon 424 of the TMC6 protein (p.Val424Met). This variant is present in population databases (rs747391950, gnomAD 0.02%). This variant has not been reported in the literature in individuals affected with TMC6-related conditions. ClinVar contains an entry for this variant (Variation ID: 2164793). An algorithm developed to predict the effect of missense changes on protein structure and function outputs the following: PolyPhen-2: "Benign". The methionine amino acid residue is found in multiple mammalian species, which suggests that this missense change does not adversely affect protein function. In summary, the available evidence is currently insufficient to determine the role of this variant in disease. Therefore, it has been classified as a Variant of Uncertain Significance.